The following is an entry in ClinVar:

ClinVar aggregate classification (germline): Uncertain significance (1 of 4 stars; one submission).

Conditions:
Inborn genetic diseases. Identifiers: MedGen C0950123, MeSH D030342.

gnomAD v4.1: 3 of 1,613,846 alleles (0.00019%); highest among the groups gnomAD compares: Middle Eastern, 0.016%; no homozygotes.

Submission:

Ambry Genetics
Classification: Uncertain significance for Inborn genetic diseases. Last evaluated: 2025-01-04. Review status: criteria provided, single submitter. Criteria: Ambry Variant Classification Scheme 2023. Collection method: clinical testing. Allele origin: germline.
Comment: The p.A264V variant (also known as c.791C>T), located in coding exon 7 of the HAX1 gene, results from a C to T substitution at nucleotide position 791. The alanine at codon 264 is replaced by valine, an amino acid with similar properties. This amino acid position is conserved. In addition, this alteration is predicted to be tolerated by in silico analysis. Based on the available evidence, the clinical significance of this variant remains unclear.

NM_006118.4(HAX1):c.791C>T (p.Ala264Val)

Gene: HAX1 (HCLS1 associated protein X-1; plus strand). Cytogenetic location: 1q21.3.
Variant type: single nucleotide variant.
Coding change: c.791C>T on transcript NM_006118.4 (MANE Select); coding-DNA position 791, C replaced by T.
Protein change: p.Ala264Val; replaces alanine 264 with valine.
Molecular consequence: missense variant.
Genome position (GRCh38, 1-based): chr1:154,275,652, C>T. VCF-style: chr1-154275652-C-T. GRCh37 (hg19) VCF-style: chr1-154248128-C-T.
Other names: c.647C>T, p.Ala216Val (NM_001018837.2); short protein forms A264V, A216V.
Identifiers: ClinVar variation 3856865 (VCV003856865.1).